The following is an entry in ClinVar:

ClinVar aggregate classification (germline): Uncertain significance (1 of 4 stars; one submission).

Conditions:
Duchenne muscular dystrophy (DMD). Also called: MUSCULAR DYSTROPHY, PSEUDOHYPERTROPHIC PROGRESSIVE, DUCHENNE TYPE; Duchenne Muscular Dystrophy (DMD). Identifiers: Orphanet 98896, MedGen C0013264, MONDO:0010679, OMIM 310200.

Allele frequency attached by ClinVar (database versions not stated): gnomAD exomes below 0.00001.
gnomAD v4.1: 1 of 1,211,918 alleles (0.000083%); highest among the groups gnomAD compares: Non-Finnish European, 0.00011%; no homozygotes.

Submission:

Labcorp Genetics (formerly Invitae), Labcorp
Classification: Uncertain significance for Duchenne muscular dystrophy. Last evaluated: 2025-03-17. Review status: criteria provided, single submitter. Criteria: Invitae Variant Classification Sherloc (09022015). Collection method: clinical testing. Allele origin: germline.
Comment: This sequence change replaces glutamine, which is neutral and polar, with proline, which is neutral and non-polar, at codon 3001 of the DMD protein (p.Gln3001Pro). This variant is not present in population databases (gnomAD no frequency). This variant has not been reported in the literature in individuals affected with DMD-related conditions. ClinVar contains an entry for this variant (Variation ID: 2134600). Invitae Evidence Modeling of protein sequence and biophysical properties (such as structural, functional, and spatial information, amino acid conservation, physicochemical variation, residue mobility, and thermodynamic stability) indicates that this missense variant is not expected to disrupt DMD protein function with a negative predictive value of 95%. In summary, the available evidence is currently insufficient to determine the role of this variant in disease. Therefore, it has been classified as a Variant of Uncertain Significance.

NM_004006.3(DMD):c.9002A>C (p.Gln3001Pro)

Gene: DMD (dystrophin; minus strand). Cytogenetic location: Xp21.2.
Variant type: single nucleotide variant.
Coding change: c.9002A>C on transcript NM_004006.3 (MANE Select); coding-DNA position 9002, A replaced by C.
Protein change: p.Gln3001Pro; replaces glutamine 3001 with proline.
Molecular consequence: missense variant.
Genome position (GRCh38, 1-based): chrX:31,444,563, T>G on the plus strand (A>C on the coding strand, the complement: DMD is on the minus strand). VCF-style: chrX-31444563-T-G. GRCh37 (hg19) VCF-style: chrX-31462680-T-G.
Other names: c.8978A>C, p.Gln2993Pro (NM_000109.4); c.8990A>C, p.Gln2997Pro (NM_004009.3); c.8633A>C, p.Gln2878Pro (NM_004010.3); c.4979A>C, p.Gln1660Pro (NM_004011.4); c.4970A>C, p.Gln1657Pro (NM_004012.4); c.1622A>C, p.Gln541Pro (NM_004013.3, NM_004020.4, NM_004021.3 and 2 more transcripts); c.815A>C, p.Gln272Pro (NM_004014.3); short protein forms Q1657P, Q272P, Q2997P, Q3001P, Q541P, Q1660P, Q2878P, Q2993P.
Identifiers: ClinVar variation 2134600 (VCV002134600.4), dbSNP rs2524519944, ClinGen allele CA412655201.
Genomic context (GRCh38, chrX:31,444,563, plus strand): 5'-TTCAGGTCTTCCAGAGTGCTGAGGTTATACGGTGAGAGCTGAATGCCCAAAGTGGTAAGC[T>G]GGCGAGCAAGGTCATTGACGTGGCTCACGTTCTCTTTCAGAGGCGCAATTTCTCCTCGAA-3'
Protein context (NP_003997.2, residues 2991-3011): NVSHVNDLAR[Gln3001Pro]LTTLGIQLSP